The following is an entry in ClinVar:

NM_022458.4(LMBR1):c.*2761G>A

Gene: LMBR1 (limb development membrane protein 1; minus strand). Cytogenetic location: 7q36.3.
Variant type: single nucleotide variant.
Coding change: c.*2761G>A on transcript NM_022458.4 (MANE Select); 2761 bases downstream of the stop codon, G replaced by A.
Molecular consequence: 3 prime UTR variant. On other transcripts: non-coding transcript variant (1).
Genome position (GRCh38, 1-based): chr7:156,681,317, C>T on the plus strand (G>A on the coding strand, the complement: LMBR1 is on the minus strand). VCF-style: chr7-156681317-C-T. GRCh37 (hg19) VCF-style: chr7-156474011-C-T.
Other names: c.*2761G>A (NM_001350953.2, NM_001350954.2, NM_001350955.2 and 8 more transcripts).
Identifiers: ClinVar variation 359376 (VCV000359376.5), dbSNP rs182572414, ClinGen allele CA10628600.

ClinVar aggregate classification (germline): Benign (1 of 4 stars; one submission).

Conditions:
Polydactyly of a triphalangeal thumb. Also called: POLYDACTYLY OF TRIPHALANGEAL THUMB; TRIPHALANGEAL THUMB-POLYDACTYLY SYNDROME; Polydactyly, preaxial type II. Identifiers: Orphanet 2439, Orphanet 2950, Orphanet 93336, MedGen C1868114, MONDO:0008270, OMIM 174500.

Allele frequency attached by ClinVar (database versions not stated): gnomAD 0.00035 and 0.00056; TOPMed 0.00077; gnomAD exomes 0.00124; 1000 Genomes Project 30x 0.00328; 1000 Genomes Project 0.00359.
gnomAD v4.1: 348 of 364,254 alleles (0.096%); highest among the groups gnomAD compares: East Asian, 1.4%; 2 homozygotes.

Submission:

Illumina Laboratory Services, Illumina
Classification: Benign for Polydactyly of a triphalangeal thumb. Last evaluated: 2018-01-13. Review status: criteria provided, single submitter. Criteria: ICSL Variant Classification Criteria 13 December 2019. Collection method: clinical testing. Allele origin: germline.
Comment: This variant was observed in the ICSL laboratory as part of a predisposition screen in an ostensibly healthy population. It had not been previously curated by ICSL or reported in the Human Gene Mutation Database (HGMD: prior to June 1st, 2018), and was therefore a candidate for classification through an automated scoring system. Utilizing variant allele frequency, disease prevalence and penetrance estimates, and inheritance mode, an automated score was calculated to assess if this variant is too frequent to cause the disease. Based on the score and internal cut-off values, a variant classified as benign is not then subjected to further curation. The score for this variant resulted in a classification of benign for this disease.